The following is an entry in ClinVar:

NM_001322830.2(KCNMA1):c.3620A>G (p.Lys1207Arg)

Gene: KCNMA1 (potassium calcium-activated channel subfamily M alpha 1; minus strand). Cytogenetic location: 10q22.3.
Variant type: single nucleotide variant.
Coding change: c.3620A>G on transcript NM_001322830.2; coding-DNA position 3620, A replaced by G.
Protein change: p.Lys1207Arg; replaces lysine 1207 with arginine.
Molecular consequence: missense variant.
Genome position (GRCh38, 1-based): chr10:76,877,888, T>C on the plus strand (A>G on the coding strand, the complement: KCNMA1 is on the minus strand). VCF-style: chr10-76877888-T-C. GRCh37 (hg19) VCF-style: chr10-78637646-T-C.
Other names: c.3530A>G, p.Lys1177Arg (NM_001014797.3); c.3368A>G, p.Lys1123Arg (NM_001271518.2); c.3524A>G, p.Lys1175Arg (NM_001322829.2); c.3515A>G, p.Lys1172Arg (NM_001322832.2); c.3608A>G, p.Lys1203Arg (NM_001322835.2); c.3062A>G, p.Lys1021Arg (NM_001322838.2); c.3518A>G, p.Lys1173Arg (NM_001410940.1); c.3605A>G, p.Lys1202Arg (NM_001437423.1); short protein forms K1021R, K1123R, K1172R, K1173R, K1175R, K1177R, K1203R, K1207R.
Identifiers: ClinVar variation 1878557 (VCV001878557.1), dbSNP rs200757039, ClinGen allele CA210075373.

ClinVar aggregate classification (germline): Uncertain significance (1 of 4 stars; one submission).

Conditions:
Generalized epilepsy-paroxysmal dyskinesia syndrome (PNKD3). Also called: Generalized epilepsy and paroxysmal dyskinesia; Paroxysmal nonkinesigenic dyskinesia, 3, with or without generalized epilepsy. Identifiers: Orphanet 79137, MedGen C5574945, MONDO:0012276, OMIM 609446.

Allele frequency attached by ClinVar (database versions not stated): gnomAD exomes 0.00001.
gnomAD v4.1: 8 of 1,609,404 alleles (0.0005%); highest among the groups gnomAD compares: Non-Finnish European, 0.00059%; no homozygotes.

Submission:

Neuberg Centre For Genomic Medicine, NCGM
Classification: Uncertain significance for Generalized epilepsy-paroxysmal dyskinesia syndrome. Review status: criteria provided, single submitter. Criteria: ACMG Guidelines, 2015. Collection method: clinical testing. Allele origin: germline. Affected: yes.
Comment: The missense variant p.K1207R in KCNMA1 (NM_001322830.2) has not been reported previously as a pathogenic variant nor as a benign variant, to our knowledge. The p.K1207R variant is novel (not in any individuals) in gnomAD Exomes and is novel (not in any individuals) in 1000 Genomes. There is a small physicochemical difference between lysine and arginine, which is not likely to impact secondary protein structure as these residues share similar properties. The nucleotide c.3620 in KCNMA1 is predicted conserved by GERP++ and PhyloP across 100 vertebrates. For these reasons, this variant has been classified as Uncertain Significance.